The following is an entry in ClinVar:

ClinVar aggregate classification (germline): Pathogenic (1 of 4 stars; one submission).

Conditions:
Duchenne muscular dystrophy (DMD). Also called: MUSCULAR DYSTROPHY, PSEUDOHYPERTROPHIC PROGRESSIVE, DUCHENNE TYPE; Duchenne Muscular Dystrophy (DMD). Identifiers: Orphanet 98896, MedGen C0013264, MONDO:0010679, OMIM 310200.

Submission:

Labcorp Genetics (formerly Invitae), Labcorp
Classification: Pathogenic for Duchenne muscular dystrophy. Last evaluated: 2017-03-14. Review status: criteria provided, single submitter. Criteria: Invitae Variant Classification Sherloc (09022015). Collection method: clinical testing. Allele origin: germline.
Comment: This variant is an in-frame deletion of the genomic region encompassing exons 48-53 of the DMD gene. It preserves the integrity of the reading frame. Deletion of exons 48-53 has been reported in individuals affected with Duchenne or Becker muscular dystrophy (PMID: 19907931, 18663755, 17854090) and an individual affected with dilated cardiomyopathy without muscular dystrophy (PMID: 10841222). For these reasons, this variant has been classified as Pathogenic.

NC_000023.11:g.(?_31679355)_(31875393_?)del

Genes: DMD (dystrophin; minus strand), LOC129391296 (MPRA-validated peak7373 silencer; plus strand). Cytogenetic location: Xp21.1.
Variant type: Deletion.
Identifiers: ClinVar variation 455805 (VCV000455805.1).